The following is an entry in ClinVar:

NM_000038.6(APC):c.280C>T (p.Arg94Cys)

Gene: APC (APC regulator of Wnt signaling pathway; plus strand). Cytogenetic location: 5q22.2.
Variant type: single nucleotide variant.
Coding change: c.280C>T on transcript NM_000038.6 (MANE Select); coding-DNA position 280, C replaced by T.
Protein change: p.Arg94Cys; replaces arginine 94 with cysteine.
Molecular consequence: missense variant. On other transcripts: 5 prime UTR variant (1).
Genome position (GRCh38, 1-based): chr5:112,767,248, C>T. VCF-style: chr5-112767248-C-T. GRCh37 (hg19) VCF-style: chr5-112102945-C-T.
Other names: c.280C>T, p.Arg94Cys (NM_001127510.3, NM_001354895.2, NM_001354896.2 and 2 more transcripts); c.310C>T, p.Arg104Cys (NM_001127511.3, NM_001354897.2, NM_001354902.2); c.205C>T, p.Arg69Cys (NM_001354898.2, NM_001354904.2); c.103C>T, p.Arg35Cys (NM_001354900.2, NM_001354901.2, NM_001354905.2); c.-756C>T (NM_001354906.2); short protein forms R94C, R104C, R69C, R35C.
Identifiers: ClinVar variation 482294 (VCV000482294.21), dbSNP rs550945533, ClinGen allele CA16021947.
Genomic context (GRCh38, chr5:112,767,248, plus strand): 5'-GAGCTTAACTTAGATAGCAGTAATTTCCCTGGAGTAAAACTGCGGTCAAAAATGTCCCTC[C>T]GTTCTTATGGAAGCCGGGAAGGATCTGTATCAAGCCGTTCTGGAGAGTGCAGTCCTGTTC-3'
Protein context (NP_000029.2, residues 84-104): GVKLRSKMSL[Arg94Cys]SYGSREGSVS

ClinVar aggregate classification (germline): Uncertain significance. Review status: criteria provided, multiple submitters, no conflicts (2 of 4 stars). 4 submissions from 4 submitters: Uncertain significance (4). Last evaluated 2025-12-01.

Conditions:
Hereditary cancer-predisposing syndrome. Also called: Neoplastic Syndromes, Hereditary; Tumor predisposition; Hereditary Cancer Syndrome; Hereditary neoplastic syndrome. Identifiers: Orphanet 140162, MedGen C0027672, MeSH D009386, MONDO:0015356.
Classic or attenuated familial adenomatous polyposis. Identifiers: MedGen CN372698, MONDO:0021057.
Familial adenomatous polyposis 1 (FAP1). Also called: FAMILIAL ADENOMATOUS POLYPOSIS 1, ATTENUATED; POLYPOSIS, ADENOMATOUS INTESTINAL. Identifiers: MedGen C2713442, MONDO:0021056, OMIM 175100. Disease mechanism: loss of function.

Submissions (4):

Labcorp Genetics (formerly Invitae), Labcorp
Classification: Uncertain significance for Familial adenomatous polyposis 1. Last evaluated: 2025-12-01. Review status: criteria provided, single submitter. Criteria: Invitae Variant Classification Sherloc (09022015). Collection method: clinical testing. Allele origin: germline.
Comment: This sequence change replaces arginine, which is basic and polar, with cysteine, which is neutral and slightly polar, at codon 94 of the APC protein (p.Arg94Cys). This variant is not present in population databases (gnomAD no frequency). This variant has not been reported in the literature in individuals affected with APC-related conditions. ClinVar contains an entry for this variant (Variation ID: 482294). Invitae Evidence Modeling of protein sequence and biophysical properties (such as structural, functional, and spatial information, amino acid conservation, physicochemical variation, residue mobility, and thermodynamic stability) indicates that this missense variant is not expected to disrupt APC protein function with a negative predictive value of 95%. In summary, the available evidence is currently insufficient to determine the role of this variant in disease. Therefore, it has been classified as a Variant of Uncertain Significance.

Ambry Genetics
Classification: Uncertain significance for Hereditary cancer-predisposing syndrome. Last evaluated: 2025-06-16. Review status: criteria provided, single submitter. Criteria: Ambry Variant Classification Scheme 2023. Collection method: clinical testing. Allele origin: germline.
Comment: The p.R94C variant (also known as c.280C>T), located in coding exon 3 of the APC gene, results from a C to T substitution at nucleotide position 280. The arginine at codon 94 is replaced by cysteine, an amino acid with highly dissimilar properties. This amino acid position is highly conserved in available vertebrate species. In addition, in silico predictors for this gene do not accurately predict pathogenicity. Since supporting evidence is limited at this time, the clinical significance of this alteration remains unclear.

All of Us Research Program, National Institutes of Health
Classification: Uncertain significance for Classic or attenuated familial adenomatous polyposis. Last evaluated: 2023-08-23. Review status: criteria provided, single submitter. Criteria: ACMG Guidelines, 2015. Collection method: clinical testing. Allele origin: germline. Inheritance: Autosomal dominant inheritance. Observed: 1 variant allele, 1 heterozygote.
Comment: This missense variant replaces arginine with cysteine at codon 94 of the APC protein. Computational prediction is inconclusive regarding the impact of this variant on protein structure and function (internally defined REVEL score threshold 0.5 < inconclusive < 0.7, PMID: 27666373). To our knowledge, functional studies have not been reported for this variant. This variant has not been reported in individuals affected with APC-related disorders in the literature. This variant has not been identified in the general population by the Genome Aggregation Database (gnomAD). The available evidence is insufficient to determine the role of this variant in disease conclusively. Therefore, this variant is classified as a Variant of Uncertain Significance.

This study involves interpretation of variants in research participants for the purpose of population health screening. Participant phenotype was not available at the time of variant classification. Additional details can be found in publication PMID: 35346344, PMCID: PMC8962531

Color Diagnostics, LLC DBA Color Health
Classification: Uncertain significance for Hereditary cancer-predisposing syndrome. Last evaluated: 2023-08-10. Review status: criteria provided, single submitter. Criteria: ACMG Guidelines, 2015. Collection method: clinical testing. Allele origin: germline.
Comment: This missense variant replaces arginine with cysteine at codon 94 of the APC protein. Computational prediction is inconclusive regarding the impact of this variant on protein structure and function (internally defined REVEL score threshold 0.5 < inconclusive < 0.7, PMID: 27666373). To our knowledge, functional studies have not been reported for this variant. This variant has not been reported in individuals affected with APC-related disorders in the literature. This variant has not been identified in the general population by the Genome Aggregation Database (gnomAD). The available evidence is insufficient to determine the role of this variant in disease conclusively. Therefore, this variant is classified as a Variant of Uncertain Significance.